The following is an entry in ClinVar:

ClinVar aggregate classification (germline): Pathogenic (1 of 4 stars; one submission).

Conditions:
Classic lissencephaly. Also called: Type I lissencephaly. Identifiers: Orphanet 102009, MedGen C0431375, MONDO:0015146, HP:0006818.

Submission:

Women's Health and Genetics/Laboratory Corporation of America, LabCorp
Classification: Pathogenic for Classic lissencephaly. Last evaluated: 2023-11-21. Review status: criteria provided, single submitter. Criteria: LabCorp Variant Classification Summary - May 2015. Collection method: clinical testing. Allele origin: germline.
Comment: Variant summary: The variant involves the deletion of exon 5 in the LAMB1 gene. A presumed nomenclature of c.(349+1_350-1)_(423+1_424-1)del has been designated for the purposes of this classification. This Copy Number Variant (CNV) is expected to alter the reading frame and predicted to result in absence of the encoded protein due to nonsense mediated decay (NMD). The variant was absent in 21694 control chromosomes (gnomAD). To our knowledge, no occurrence of c.(349+1_350-1)_(423+1_424-1)del in individuals affected with Lissencephaly 5 and no experimental evidence demonstrating its impact on protein function have been reported. One submitter has cited a clinical-significance assessment for this variant to ClinVar after 2014 and has classified the variant as pathogenic. Based on the evidence outlined above, the variant was classified as pathogenic.

NC_000007.13:g.(107626809_107635331)_(107635406_107638801)del

Gene: LAMB1 (laminin subunit beta 1; minus strand). Cytogenetic location: 7q31.1.
Variant type: Deletion.
Identifiers: ClinVar variation 2682216 (VCV002682216.1).